The following is an entry in ClinVar:

ClinVar aggregate classification (germline): Pathogenic. Review status: criteria provided, single submitter (1 of 4 stars). 2 submissions from 2 submitters: Pathogenic (1). 1 of the submissions does not count toward it. Last evaluated 2018-08-26.

Conditions:
Familial long QT syndrome (RWS). Also called: Congenital long QT syndrome; Romano-Ward syndrome; VENTRICULAR FIBRILLATION WITH PROLONGED QT INTERVAL. Identifiers: Orphanet 768, MedGen C1141890, MONDO:0019171.
Long QT syndrome (LQTS). Identifiers: MedGen C0023976, MeSH D008133, MONDO:0002442. Disease mechanism: loss of function. Inheritance: Various modes of inheritance.

Submissions (2):

Labcorp Genetics (formerly Invitae), Labcorp
Classification: Pathogenic for Long QT syndrome. Last evaluated: 2018-08-26. Review status: criteria provided, single submitter. Criteria: Invitae Variant Classification Sherloc (09022015). Collection method: clinical testing. Allele origin: germline.
Comment: This sequence change replaces proline with histidine at codon 320 of the KCNQ1 protein (p.Pro320His). The proline residue is highly conserved and there is a moderate physicochemical difference between proline and histidine. For these reasons, this variant has been classified as Pathogenic. This variant disrupts the p.Pro320 amino acid residue in KCNQ1. Other variant(s) that disrupt this residue have been observed in affected individuals (PMID: 9386136, Invitae), suggesting that it is a clinically significant residue. As a result, variants that disrupt this residue are likely to be causative of disease. Experimental studies have shown that this missense change results in a non-functional sodium channel (PMID: 19540844). This variant has been observed in several individuals affected with long QT syndrome (PMID: 22949429, 19540844, 17470695, Invitae). ClinVar contains an entry for this variant (Variation ID: 53148). This variant is not present in population databases (ExAC no frequency).

Cardiovascular Biomedical Research Unit, Royal Brompton & Harefield NHS Foundation Trust
No classification provided. Condition: Familial long QT syndrome. Review status: no classification provided. Collection method: literature only. Allele origin: germline. Not counted in ClinVar's aggregate classification.
Comment: This variant has been reported as associated with Long QT syndrome in the following publications (PMID:17470695;PMID:19540844;PMID:19841300). This is a literature report, and does not necessarily reflect the clinical interpretation of the Imperial College / Royal Brompton Cardiovascular Genetics laboratory.

Literature cited by the submitters: PubMed 9386136 (cited by Labcorp Genetics (formerly Invitae), Labcorp); PubMed 19540844 (cited by Labcorp Genetics (formerly Invitae), Labcorp and Cardiovascular Biomedical Research Unit, Royal Brompton & Harefield NHS Foundation Trust); PubMed 22949429 (cited by Labcorp Genetics (formerly Invitae), Labcorp); PubMed 17470695 (cited by Labcorp Genetics (formerly Invitae), Labcorp and Cardiovascular Biomedical Research Unit, Royal Brompton & Harefield NHS Foundation Trust); PubMed 19841300 (cited by Cardiovascular Biomedical Research Unit, Royal Brompton & Harefield NHS Foundation Trust); PubMed 22581653 (cited by Cardiovascular Biomedical Research Unit, Royal Brompton & Harefield NHS Foundation Trust).

NM_000218.3(KCNQ1):c.959C>A (p.Pro320His)

Gene: KCNQ1 (potassium voltage-gated channel subfamily Q member 1; plus strand). Cytogenetic location: 11p15.5.
Variant type: single nucleotide variant.
Coding change: c.959C>A on transcript NM_000218.3 (MANE Select); coding-DNA position 959, C replaced by A.
Protein change: p.Pro320His; replaces proline 320 with histidine.
Molecular consequence: missense variant.
Genome position (GRCh38, 1-based): chr11:2,583,472, C>A. VCF-style: chr11-2583472-C-A. GRCh37 (hg19) VCF-style: chr11-2604702-C-A.
Other names: c.959C>A (LRG_287t1); c.959C>A, p.Pro320His (NM_001406836.1); c.689C>A, p.Pro230His (NM_001406837.1); c.515C>A, p.Pro172His (NM_001406838.1); c.578C>A, p.Pro193His (NM_181798.2); short protein forms P320H, P193H, P230H, P172H.
Identifiers: ClinVar variation 53148 (VCV000053148.9), dbSNP rs199473470, ClinGen allele CA008917.
Genomic context (GRCh38, chr11:2,583,472, plus strand): 5'-GACCACTGTCCCTCTCCCTGCAGGTCACAGTCACCACCATCGGCTATGGGGACAAGGTGC[C>A]CCAGACGTGGGTCGGGAAGACCATCGCCTCCTGCTTCTCTGTCTTTGCCATCTCCTTCTT-3'
Protein context (NP_000209.2, residues 310-330): VTTIGYGDKV[Pro320His]QTWVGKTIAS